The following is an entry in ClinVar:

NM_000071.3(CBS):c.838G>A (p.Val280Met)

Gene: CBS (cystathionine beta-synthase; minus strand). Cytogenetic location: 21q22.3.
Variant type: single nucleotide variant.
Coding change: c.838G>A on transcript NM_000071.3 (MANE Select); coding-DNA position 838, G replaced by A.
Protein change: p.Val280Met; replaces valine 280 with methionine.
Molecular consequence: missense variant.
Genome position (GRCh38, 1-based): chr21:43,063,069, C>T on the plus strand (G>A on the coding strand, the complement: CBS is on the minus strand). VCF-style: chr21-43063069-C-T. GRCh37 (hg19) VCF-style: chr21-44483179-C-T.
Other names: c.838G>A, p.Val280Met (NM_001178008.3, NM_001178009.3, NM_001320298.2); c.523G>A, p.Val175Met (NM_001321072.1); short protein forms V175M, V280M.
Identifiers: ClinVar variation 1041925 (VCV001041925.10), dbSNP rs1982225866, ClinGen allele CA410600174.

ClinVar aggregate classification (germline): Uncertain significance (1 of 4 stars; one submission).

Conditions:
HYPERHOMOCYSTEINEMIA, THROMBOTIC, CBS-RELATED. Identifiers: MedGen C3150344, OMIM 236200.

Submission:

Labcorp Genetics (formerly Invitae), Labcorp
Classification: Uncertain significance for HYPERHOMOCYSTEINEMIA, THROMBOTIC, CBS-RELATED. Last evaluated: 2020-11-12. Review status: criteria provided, single submitter. Criteria: Invitae Variant Classification Sherloc (09022015). Collection method: clinical testing. Allele origin: germline.
Comment: In summary, the available evidence is currently insufficient to determine the role of this variant in disease. Therefore, it has been classified as a Variant of Uncertain Significance. This sequence change replaces valine with methionine at codon 280 of the CBS protein (p.Val280Met). The valine residue is moderately conserved and there is a small physicochemical difference between valine and methionine. This variant is not present in population databases (ExAC no frequency). This variant has not been reported in the literature in individuals with CBS-related conditions. Algorithms developed to predict the effect of missense changes on protein structure and function are either unavailable or do not agree on the potential impact of this missense change (SIFT: "Deleterious"; PolyPhen-2: "Probably Damaging"; Align-GVGD: "Class C0").